The following is an entry in ClinVar:

ClinVar aggregate classification (germline): Benign (1 of 4 stars; one submission).

Submission:

Women's Health and Genetics/Laboratory Corporation of America, LabCorp
Classification: Benign. Last evaluated: 2026-04-09. Review status: criteria provided, single submitter. Criteria: LabCorp Variant Classification Summary - May 2015. Collection method: clinical testing. Allele origin: germline.
Comment: Variant summary: DOCK2 c.5167-19_5167-18dupGT alters a nucleotide located at a position not widely known to affect splicing. Consensus agreement among computation tools predict no significant impact on normal splicing. However, these predictions have yet to be confirmed by functional studies. The variant allele was found at a frequency of 0.005 in 113838 control chromosomes. The observed variant frequency exceeds the estimated maximal expected allele frequency for disease-causing variants in DOCK2. To our knowledge, no occurrence of c.5167-19_5167-18dupGT in individuals affected with DOCK2-related conditions and no experimental evidence demonstrating its impact on protein function have been reported. No submitters have cited clinical-significance assessments for this variant to ClinVar. Based on the evidence outlined above, the variant was classified as benign.

NM_004946.3(DOCK2):c.5167-36TG[10]

Gene: DOCK2 (dedicator of cytokinesis 2; plus strand). Cytogenetic location: 5q35.1.
Variant type: Microsatellite.
Coding change: c.5167-36TG[10] on transcript NM_004946.3 (MANE Select); ten copies in a row of the 2-base unit TG starting at c.5167-36.
Molecular consequence: intron variant.
Genome position: GRCh38 VCF-style: chr5-170080126-T-TTG. GRCh37 (hg19) VCF-style: chr5-169507130-T-TTG.
Other names: c.5167-19_5167-18dupGT (NM_004946.3).
Identifiers: ClinVar variation 4848701 (VCV004848701.1).
Genomic context (GRCh38, chr5:170,080,126, plus strand): 5'-CCACGCCCTCCTCACTGATCTTTCAGAGACCCAGATCTGCCTCATGCTAAGCCTCTGTCT[T>TTG]TGTGTGTGTGTGTGTGTGTCTGGTGTATTCCTCCAGCTTTCCAGGAAGCATGAGTTCATG-3'